The following is an entry in ClinVar:

ClinVar aggregate classification (germline): Likely benign. Review status: criteria provided, multiple submitters, no conflicts (2 of 4 stars). 2 submissions from 2 submitters: Likely benign (2). Last evaluated 2022-10-01.

Conditions:
Inborn genetic diseases. Identifiers: MedGen C0950123, MeSH D030342.

Allele frequency attached by ClinVar (database versions not stated): ExAC 0.00080; 1000 Genomes Project 30x 0.00125; 1000 Genomes Project 0.00160; gnomAD 0.00246; TOPMed 0.00279; ESP Exome Variant Server 0.00315.
gnomAD v4.1: 806 of 1,609,722 alleles (0.05%); highest among the groups gnomAD compares: African/African-American, 0.93%; 4 homozygotes.

Submissions (2):

CeGaT Center for Human Genetics Tuebingen
Classification: Likely benign. Last evaluated: 2022-10-01. Review status: criteria provided, single submitter. Criteria: CeGaT Center For Human Genetics Tuebingen Variant Classification Criteria Version 2. Collection method: clinical testing. Allele origin: germline. Affected: yes. Observed: 1 variant allele.
Comment: MTCL1: BP4, BS2

Ambry Genetics
Classification: Likely benign for Inborn genetic diseases. Last evaluated: 2022-06-27. Review status: criteria provided, single submitter. Criteria: Ambry Variant Classification Scheme 2023. Collection method: clinical testing. Allele origin: germline.

NM_001395333.1(MTCL1):c.2537G>C (p.Gly846Ala)

Gene: MTCL1 (microtubule crosslinking factor 1; plus strand). Cytogenetic location: 18p11.22.
Variant type: single nucleotide variant.
Coding change: c.2537G>C on transcript NM_001395333.1 (MANE Select); coding-DNA position 2537, G replaced by C.
Protein change: p.Gly846Ala; replaces glycine 846 with alanine.
Molecular consequence: missense variant.
Genome position (GRCh38, 1-based): chr18:8,784,569, G>C. VCF-style: chr18-8784569-G-C. GRCh37 (hg19) VCF-style: chr18-8784567-G-C.
Other names: c.2537G>C, p.Gly846Ala (NM_001378205.1, NM_001378206.1, NM_001378207.1); c.1457G>C, p.Gly486Ala (NM_001395220.1, NM_015210.4); short protein forms G486A, G846A.
Identifiers: ClinVar variation 2269361 (VCV002269361.26), dbSNP rs150698375, ClinGen allele CA8885870.